The following is an entry in ClinVar:

ClinVar aggregate classification (germline): Uncertain significance (1 of 4 stars; one submission).

Conditions:
Perlman syndrome (PRLMNS). Identifiers: Orphanet 2849, MedGen C0796113, MONDO:0009965, OMIM 267000.

gnomAD v4.1: 1 of 1,608,074 alleles (0.000062%); highest among the groups gnomAD compares: Non-Finnish European, 0.000085%; no homozygotes.

Submission:

Labcorp Genetics (formerly Invitae), Labcorp
Classification: Uncertain significance for Perlman syndrome. Last evaluated: 2023-09-27. Review status: criteria provided, single submitter. Criteria: Invitae Variant Classification Sherloc (09022015). Collection method: clinical testing. Allele origin: germline.
Comment: This sequence change replaces alanine, which is neutral and non-polar, with glutamic acid, which is acidic and polar, at codon 718 of the DIS3L2 protein (p.Ala718Glu). This variant is not present in population databases (gnomAD no frequency). This variant has not been reported in the literature in individuals affected with DIS3L2-related conditions. ClinVar contains an entry for this variant (Variation ID: 1038103). Advanced modeling of protein sequence and biophysical properties (such as structural, functional, and spatial information, amino acid conservation, physicochemical variation, residue mobility, and thermodynamic stability) performed at Invitae indicates that this missense variant is not expected to disrupt DIS3L2 protein function. RNA analysis performed to evaluate the impact of this missense change on mRNA splicing indicates it does not significantly alter splicing (Invitae). In summary, the available evidence is currently insufficient to determine the role of this variant in disease. Therefore, it has been classified as a Variant of Uncertain Significance.

NM_152383.5(DIS3L2):c.2153C>A (p.Ala718Glu)

Gene: DIS3L2 (DIS3 like 3'-5' exoribonuclease 2; plus strand). Cytogenetic location: 2q37.1.
Variant type: single nucleotide variant.
Coding change: c.2153C>A on transcript NM_152383.5 (MANE Select); coding-DNA position 2153, C replaced by A.
Protein change: p.Ala718Glu; replaces alanine 718 with glutamic acid.
Molecular consequence: missense variant. On other transcripts: non-coding transcript variant (2), intron variant (1).
Genome position (GRCh38, 1-based): chr2:232,333,982, C>A. VCF-style: chr2-232333982-C-A. GRCh37 (hg19) VCF-style: chr2-233198692-C-A.
Other names: c.1582-9363C>A (NM_001257281.2); short protein forms A718E.
Identifiers: ClinVar variation 1038103 (VCV001038103.8), dbSNP rs1378940492, ClinGen allele CA350977583.